The following is an entry in ClinVar:

NM_024642.5(GALNT12):c.164C>T (p.Thr55Ile)

Gene: GALNT12 (polypeptide N-acetylgalactosaminyltransferase 12; plus strand). Cytogenetic location: 9q22.33.
Variant type: single nucleotide variant.
Coding change: c.164C>T on transcript NM_024642.5 (MANE Select); coding-DNA position 164, C replaced by T.
Protein change: p.Thr55Ile; replaces threonine 55 with isoleucine.
Molecular consequence: missense variant.
Genome position (GRCh38, 1-based): chr9:98,807,862, C>T. VCF-style: chr9-98807862-C-T. GRCh37 (hg19) VCF-style: chr9-101570144-C-T.
Other names: short protein forms T55I.
Identifiers: ClinVar variation 485671 (VCV000485671.14), dbSNP rs927193317, ClinGen allele CA196833803.
Genomic context (GRCh38, chr9:98,807,862, plus strand): 5'-CGGTGCTGCGGGCGCAGCGTGGGGCCGGGGCCGGGGCTGCCGAGCCGGGACCCCCGCGCA[C>T]CCCGCGCCCCGGGCGGCGCGAGCCGGTCATGCCGCGGCCGCCGGTGCCGGCGAACGCGCT-3'
Protein context (NP_078918.3, residues 45-65): AGAAEPGPPR[Thr55Ile]PRPGRREPVM

ClinVar aggregate classification (germline): Conflicting classifications of pathogenicity. Review status: criteria provided, conflicting classifications (1 of 4 stars). 3 submissions from 3 submitters: Uncertain significance (2); Likely benign (1). Last evaluated 2024-03-26.

Allele frequency attached by ClinVar (database versions not stated): gnomAD 0.00008 and 0.00009; TOPMed 0.00018; 1000 Genomes Project 30x 0.00031.
gnomAD v4.1: 14 of 1,010,400 alleles (0.0014%); highest among the groups gnomAD compares: Admixed American, 0.077%; no homozygotes.

Submissions (3):

Ambry Genetics
Classification: Likely benign. Last evaluated: 2024-03-26. Review status: criteria provided, single submitter. Criteria: Ambry Variant Classification Scheme 2023. Collection method: clinical testing. Allele origin: germline.

Quest Diagnostics Nichols Institute San Juan Capistrano
Classification: Uncertain significance. Last evaluated: 2023-02-15. Review status: criteria provided, single submitter. Criteria: Quest Diagnostics criteria. Collection method: clinical testing. Allele origin: unknown.
Comment: The variant has not been reported in the published literature. The frequency of this variant in the general population, 0.00004 (1/24834 chromosomes), is uninformative in assessment of its pathogenicity. Analysis of this variant using bioinformatics tools for the prediction of the effect of amino acid changes on protein structure and function yielded predictions that this variant is benign. Based on the available information, we are unable to determine the clinical significance of this variant.

Labcorp Genetics (formerly Invitae), Labcorp
Classification: Uncertain significance. Last evaluated: 2022-10-13. Review status: criteria provided, single submitter. Criteria: Invitae Variant Classification Sherloc (09022015). Collection method: clinical testing. Allele origin: germline.
Comment: In summary, the available evidence is currently insufficient to determine the role of this variant in disease. Therefore, it has been classified as a Variant of Uncertain Significance. Algorithms developed to predict the effect of missense changes on protein structure and function are either unavailable or do not agree on the potential impact of this missense change (SIFT: "Tolerated"; PolyPhen-2: "Not Available"; Align-GVGD: "Class C0"). ClinVar contains an entry for this variant (Variation ID: 485671). This variant has not been reported in the literature in individuals affected with GALNT12-related conditions. The frequency data for this variant in the population databases is considered unreliable, as metrics indicate insufficient coverage at this position in the gnomAD database. This sequence change replaces threonine, which is neutral and polar, with isoleucine, which is neutral and non-polar, at codon 55 of the GALNT12 protein (p.Thr55Ile).